The following is an entry in ClinVar:

NM_033026.6(PCLO):c.8331T>A (p.Asn2777Lys)

Gene: PCLO (piccolo presynaptic cytomatrix protein; minus strand). Cytogenetic location: 7q21.11.
Variant type: single nucleotide variant.
Coding change: c.8331T>A on transcript NM_033026.6 (MANE Select); coding-DNA position 8331, T replaced by A.
Protein change: p.Asn2777Lys; replaces asparagine 2777 with lysine.
Molecular consequence: missense variant.
Genome position (GRCh38, 1-based): chr7:82,952,622, A>T on the plus strand (T>A on the coding strand, the complement: PCLO is on the minus strand). VCF-style: chr7-82952622-A-T. GRCh37 (hg19) VCF-style: chr7-82581938-A-T.
Other names: c.8331T>A, p.Asn2777Lys (NM_014510.3); short protein forms N2777K.
Identifiers: ClinVar variation 4809554 (VCV004809554.1).

ClinVar aggregate classification (germline): Uncertain significance (1 of 4 stars; one submission).

gnomAD v4.1: 1 of 1,613,892 alleles (0.000062%); highest among the groups gnomAD compares: African/African-American, 0.0013%; no homozygotes.

Submission:

Labcorp Genetics (formerly Invitae), Labcorp
Classification: Uncertain significance. Last evaluated: 2025-05-26. Review status: criteria provided, single submitter. Criteria: Invitae Variant Classification Sherloc (09022015). Collection method: clinical testing. Allele origin: germline.
Comment: This sequence change replaces asparagine, which is neutral and polar, with lysine, which is basic and polar, at codon 2777 of the PCLO protein (p.Asn2777Lys). This variant is present in population databases (no rsID available, gnomAD 0.007%). This variant has not been reported in the literature in individuals affected with PCLO-related conditions. Experimental studies and prediction algorithms are not available or were not evaluated, and the functional significance of this variant is currently unknown. In summary, the available evidence is currently insufficient to determine the role of this variant in disease. Therefore, it has been classified as a Variant of Uncertain Significance.